The following is an entry in ClinVar:

NM_002788.4(PSMA3):c.404+5G>C

Gene: PSMA3 (proteasome 20S subunit alpha 3; plus strand). Cytogenetic location: 14q23.1.
Variant type: single nucleotide variant.
Coding change: c.404+5G>C on transcript NM_002788.4 (MANE Select); 5 bases into the intron after coding-DNA position 404, G replaced by C.
Molecular consequence: intron variant.
Genome position (GRCh38, 1-based): chr14:58,258,003, G>C. VCF-style: chr14-58258003-G-C. GRCh37 (hg19) VCF-style: chr14-58724721-G-C.
Other names: c.404+5G>C (NM_152132.3).
Identifiers: ClinVar variation 1491672 (VCV001491672.6), dbSNP rs748232564, ClinGen allele CA2573150047.

ClinVar aggregate classification (germline): Uncertain significance (1 of 4 stars; one submission).

Submission:

Labcorp Genetics (formerly Invitae), Labcorp
Classification: Uncertain significance. Last evaluated: 2022-03-19. Review status: criteria provided, single submitter. Criteria: Invitae Variant Classification Sherloc (09022015). Collection method: clinical testing. Allele origin: germline.
Comment: In summary, the available evidence is currently insufficient to determine the role of this variant in disease. Therefore, it has been classified as a Variant of Uncertain Significance. Variants that disrupt the consensus splice site are a relatively common cause of aberrant splicing (PMID: 17576681, 9536098). Algorithms developed to predict the effect of sequence changes on RNA splicing suggest that this variant may disrupt the consensus splice site. This variant has not been reported in the literature in individuals affected with PSMA3-related conditions. This variant is not present in population databases (gnomAD no frequency). This sequence change falls in intron 5 of the PSMA3 gene. It does not directly change the encoded amino acid sequence of the PSMA3 protein. It affects a nucleotide within the consensus splice site.

Literature cited by the submitters: PubMed 17576681; PubMed 9536098.